The following is an entry in ClinVar:

ClinVar aggregate classification (germline): Likely pathogenic (1 of 4 stars; one submission).

Conditions:
CHARGE syndrome (CHARGE). Also called: Hittner Hirsch Kreh syndrome; CHARGE ASSOCIATION--COLOBOMA, HEART ANOMALY, CHOANAL ATRESIA, RETARDATION, GENITAL AND EAR ANOMALIES; Coloboma, heart anomaly, choanal atresia, retardation, genital and ear anomalies; CHARGE association; Hall-Hittner syndrome. Identifiers: Orphanet 138, MedGen C0265354, MONDO:0008965.

Submission:

Molecular Genetics Laboratory, Motol Hospital
Classification: Likely pathogenic for CHD7-related CHARGE syndrome. Last evaluated: 2024-11-04. Review status: criteria provided, single submitter. Criteria: ACMG Guidelines, 2015. Collection method: clinical testing. Allele origin: germline. Affected: yes. Observed: 1 variant allele.
Comment: Rare variations altering the canonical sequence of donor splice-site were well documented as causative in the pathogenesis of CHARGE syndrome (OMIM:214800) (PMID:29434620;16155193). The variant on the identical position c.4644+1G>A is classified as pathogenic (ClinVar Variation ID: 2571881). To conclude, the variant is classified as likely pathogenic (ACMG PVS1, PM2).

Literature cited by the submitters: PubMed 29434620; PubMed 16155193.

NM_017780.4(CHD7):c.4644+1G>T

Gene: CHD7 (chromodomain helicase DNA binding protein 7; plus strand). Cytogenetic location: 8q12.2.
Variant type: single nucleotide variant.
Coding change: c.4644+1G>T on transcript NM_017780.4 (MANE Select); the canonical splice donor site of the intron after coding-DNA position 4644, G replaced by T.
Molecular consequence: splice donor variant. On other transcripts: intron variant (1).
Genome position (GRCh38, 1-based): chr8:60,841,755, G>T. VCF-style: chr8-60841755-G-T. GRCh37 (hg19) VCF-style: chr8-61754314-G-T.
Other names: c.1717-20474G>T (NM_001316690.1).
Identifiers: ClinVar variation 3374743 (VCV003374743.2).